The following is an entry in ClinVar:

NM_015295.3(SMCHD1):c.5737C>T (p.Arg1913Cys)

Gene: SMCHD1 (structural maintenance of chromosomes flexible hinge domain containing 1; plus strand). Cytogenetic location: 18p11.32.
Variant type: single nucleotide variant.
Coding change: c.5737C>T on transcript NM_015295.3 (MANE Select); coding-DNA position 5737, C replaced by T.
Protein change: p.Arg1913Cys; replaces arginine 1913 with cysteine.
Molecular consequence: missense variant.
Genome position (GRCh38, 1-based): chr18:2,795,966, C>T. VCF-style: chr18-2795966-C-T. GRCh37 (hg19) VCF-style: chr18-2795964-C-T.
Other names: short protein forms R1913C.
Identifiers: ClinVar variation 1519986 (VCV001519986.8), dbSNP rs764493125, ClinGen allele CA295491541.

ClinVar aggregate classification (germline): Uncertain significance (1 of 4 stars; one submission).

Conditions:
Facioscapulohumeral muscular dystrophy 2 (FSHD2). Also called: FACIOSCAPULOHUMERAL MUSCULAR DYSTROPHY 2, DIGENIC; FSHD2, DIGENIC; MUSCULAR DYSTROPHY, FACIOSCAPULOHUMERAL, TYPE 1B. Identifiers: Orphanet 269, MedGen C1834671, MONDO:0008031, OMIM 158901.

Allele frequency attached by ClinVar (database versions not stated): TOPMed below 0.00001; gnomAD 0.00001; gnomAD exomes 0.00005.
gnomAD v4.1: 72 of 1,590,840 alleles (0.0045%); highest among the groups gnomAD compares: Non-Finnish European, 0.0062%; no homozygotes.

Submission:

Labcorp Genetics (formerly Invitae), Labcorp
Classification: Uncertain significance for Facioscapulohumeral muscular dystrophy 2. Last evaluated: 2021-06-16. Review status: criteria provided, single submitter. Criteria: Invitae Variant Classification Sherloc (09022015). Collection method: clinical testing. Allele origin: germline.
Comment: This variant has not been reported in the literature in individuals with SMCHD1-related conditions. This variant is not present in population databases (ExAC no frequency). This sequence change replaces arginine with cysteine at codon 1913 of the SMCHD1 protein (p.Arg1913Cys). The arginine residue is highly conserved and there is a large physicochemical difference between arginine and cysteine. In summary, the available evidence is currently insufficient to determine the role of this variant in disease. Therefore, it has been classified as a Variant of Uncertain Significance. Algorithms developed to predict the effect of missense changes on protein structure and function are either unavailable or do not agree on the potential impact of this missense change (SIFT: "Deleterious"; PolyPhen-2: "Possibly Damaging"; Align-GVGD: "Class C15").